The following is an entry in ClinVar:

ClinVar aggregate classification (germline): Conflicting classifications of pathogenicity. Review status: criteria provided, conflicting classifications (1 of 4 stars). 5 submissions from 4 submitters: Uncertain significance (2); Benign (1); Likely benign (2). Last evaluated 2025-10-29.

Conditions:
Emery-Dreifuss muscular dystrophy 4, autosomal dominant (EDMD4). Also called: EMERY-DREIFUSS MUSCULAR DYSTROPHY 4 WITH VARIABLE FEATURES. Identifiers: Orphanet 261, MedGen C2751807, MONDO:0013071, OMIM 612998.
Autosomal recessive ataxia, Beauce type. Also called: SYNE1 Deficiency; Spinocerebellar ataxia, autosomal recessive 8; ATAXIA, RECESSIVE, OF BEAUCE; SYNE1-Related Autosomal Recessive Cerebellar Ataxia. Identifiers: Orphanet 88644, MedGen C1853116, MONDO:0012549, OMIM 610743.

Allele frequency attached by ClinVar (database versions not stated): ExAC 0.00007; ESP Exome Variant Server 0.00015; gnomAD exomes 0.00001 and 0.00005; TOPMed 0.00015; 1000 Genomes Project 30x 0.00016; gnomAD 0.00017; 1000 Genomes Project 0.00020.
gnomAD v4.1: 45 of 1,601,616 alleles (0.0028%); highest among the groups gnomAD compares: African/African-American, 0.054%; no homozygotes.

Submissions (5):

Labcorp Genetics (formerly Invitae), Labcorp
Classification: Likely benign for Emery-Dreifuss muscular dystrophy 4, autosomal dominant; Autosomal recessive ataxia, Beauce type. Last evaluated: 2025-10-29. Review status: criteria provided, single submitter. Criteria: Invitae Variant Classification Sherloc (09022015). Collection method: clinical testing. Allele origin: germline.

Mayo Clinic Laboratories, Mayo Clinic
Classification: Likely benign. Last evaluated: 2025-08-18. Review status: criteria provided, single submitter. Criteria: ACMG Guidelines, 2015. Collection method: clinical testing. Allele origin: germline. Observed: 1 variant allele.
Comment: BP4, BP7

Eurofins Ntd Llc (ga)
Classification: Uncertain significance. Last evaluated: 2018-06-18. Review status: criteria provided, single submitter. Criteria: EGL ClinVar v180209 classification definitions. Collection method: clinical testing. Allele origin: germline. Observed: 2 variant alleles, 2 heterozygotes.

Illumina Laboratory Services, Illumina
Classification: Benign for Emery-Dreifuss muscular dystrophy 4, autosomal dominant. Last evaluated: 2018-01-12. Review status: criteria provided, single submitter. Criteria: ICSL Variant Classification Criteria 13 December 2019. Collection method: clinical testing. Allele origin: germline.
Comment: This variant was observed in the ICSL laboratory as part of a predisposition screen in an ostensibly healthy population. It had not been previously curated by ICSL or reported in the Human Gene Mutation Database (HGMD: prior to June 1st, 2018), and was therefore a candidate for classification through an automated scoring system. Utilizing variant allele frequency, disease prevalence and penetrance estimates, and inheritance mode, an automated score was calculated to assess if this variant is too frequent to cause the disease. Based on the score and internal cut-off values, a variant classified as benign is not then subjected to further curation. The score for this variant resulted in a classification of benign for this disease.

Illumina Laboratory Services, Illumina
Classification: Uncertain significance for Autosomal recessive ataxia, Beauce type. Last evaluated: 2018-01-12. Review status: criteria provided, single submitter. Criteria: ICSL Variant Classification Criteria 13 December 2019. Collection method: clinical testing. Allele origin: germline.

NM_182961.4(SYNE1):c.1463+9A>G

Gene: SYNE1 (spectrin repeat containing nuclear envelope protein 1; minus strand). Cytogenetic location: 6q25.2.
Variant type: single nucleotide variant.
Coding change: c.1463+9A>G on transcript NM_182961.4 (MANE Select); 9 bases into the intron after coding-DNA position 1463, A replaced by G.
Molecular consequence: intron variant.
Genome position (GRCh38, 1-based): chr6:152,472,292, T>C on the plus strand (A>G on the coding strand, the complement: SYNE1 is on the minus strand). VCF-style: chr6-152472292-T-C. GRCh37 (hg19) VCF-style: chr6-152793427-T-C.
Other names: p.?; c.1484+9A>G (NM_033071.5).
Identifiers: ClinVar variation 499090 (VCV000499090.18), dbSNP rs368846118, ClinGen allele CA4059398.